The following is an entry in ClinVar:

NM_005413.4(SIX3):c.219C>T (p.Pro73=)

Gene: SIX3 (SIX homeobox 3; plus strand). Cytogenetic location: 2p21.
Variant type: single nucleotide variant.
Coding change: c.219C>T on transcript NM_005413.4 (MANE Select); coding-DNA position 219, C replaced by T.
Protein change: p.Pro73=; no amino-acid change (proline 73 retained).
Molecular consequence: synonymous variant.
Genome position (GRCh38, 1-based): chr2:44,942,323, C>T. VCF-style: chr2-44942323-C-T. GRCh37 (hg19) VCF-style: chr2-45169462-C-T.
Other names: 219C>T.
Identifiers: ClinVar variation 65493 (VCV000065493.20), dbSNP rs186163123, ClinGen allele CA344805.
Genomic context (GRCh38, chr2:44,942,323, plus strand): 5'-TGCGGGAGGCGGCGGTGCTGGCGGAGCAGGCGGCGGCGGCGGCGGCGGCTCCAGGGCCCC[C>T]CCGGAAGAGTTGTCCATGTTCCAGCTGCCCACCCTCAACTTCTCGCCGGAGCAGGTGGCC-3'
Protein context (NP_005404.1, residues 63-83): GGGGGGGSRA[Pro73=]PEELSMFQLP

ClinVar aggregate classification (germline): Benign/Likely benign. Review status: criteria provided, multiple submitters, no conflicts (2 of 4 stars). 7 submissions from 7 submitters: Benign (2); Likely benign (4). 1 of the submissions does not count toward it. Last evaluated 2026-09-01.

Conditions:
Holoprosencephaly 2 (HPE2). Identifiers: Orphanet 2162, MedGen C1834877, MONDO:0007999, OMIM 157170.

Allele frequency attached by ClinVar (database versions not stated): ExAC 0.00095; gnomAD 0.00098 and 0.00105; 1000 Genomes Project 30x 0.00016; ESP Exome Variant Server 0.00059; gnomAD exomes 0.00081; TOPMed 0.00086.
gnomAD v4.1: 2,038 of 1,593,348 alleles (0.13%); highest among the groups gnomAD compares: Non-Finnish European, 0.16%; 2 homozygotes.

Submissions (7):

CeGaT Center for Human Genetics Tuebingen
Classification: Likely benign. Last evaluated: 2026-09-01. Review status: criteria provided, single submitter. Criteria: CeGaT Center For Human Genetics Tuebingen Variant Classification Criteria Version 2. Collection method: clinical testing. Allele origin: germline. Affected: yes. Observed: 1 variant allele.
Comment: SIX3: BP4, BP7

Labcorp Genetics (formerly Invitae), Labcorp
Classification: Benign for Holoprosencephaly 2. Last evaluated: 2026-01-16. Review status: criteria provided, single submitter. Criteria: Invitae Variant Classification Sherloc (09022015). Collection method: clinical testing. Allele origin: germline.

Blueprint Genetics
Classification: Likely benign. Last evaluated: 2024-10-28. Review status: criteria provided, single submitter. Criteria: ACMG Guidelines, 2015. Collection method: clinical testing. Allele origin: germline.

Athena Diagnostics
Classification: Benign. Last evaluated: 2019-06-06. Review status: criteria provided, single submitter. Criteria: Athena Diagnostics Criteria. Collection method: clinical testing. Allele origin: germline.

Eurofins Ntd Llc (ga)
Classification: Likely benign. Last evaluated: 2016-07-12. Review status: criteria provided, single submitter. Criteria: EGL Classification Definitions 2015. Collection method: clinical testing. Allele origin: germline. Observed: 2 variant alleles, 2 heterozygotes.

Breakthrough Genomics
Classification: Likely benign. Review status: criteria provided, single submitter. Criteria: ACMG Guidelines, 2015. Collection method: not provided. Allele origin: germline. Inheritance: Autosomal dominant inheritance. Affected: yes.

GeneReviews
Classification: Benign for Holoprosencephaly. Last evaluated: 2013-08-29. Review status: no assertion criteria provided. Collection method: curation. Allele origin: unknown. Not counted in ClinVar's aggregate classification.
ClinVar note: Converted during submission from non-pathogenic to Benign.

Literature cited by the submitters: PubMed 10923031 (cited by Athena Diagnostics).